The following is an entry in ClinVar:

ClinVar aggregate classification (germline): Uncertain significance (1 of 4 stars; one submission).

Submission:

GeneDx
Classification: Uncertain significance. Last evaluated: 2024-04-19. Review status: criteria provided, single submitter. Criteria: GeneDx Variant Classification Process June 2021. Collection method: clinical testing. Allele origin: germline. Affected: yes.
Comment: Not observed at significant frequency in large population cohorts (gnomAD); Frameshift variant predicted to result in protein truncation or nonsense mediated decay in a gene or region of a gene for which loss of function is not a well-established mechanism of disease; Has not been previously published as pathogenic or benign to our knowledge

NM_004114.5(FGF13):c.146dup (p.Lys50fs)

Gene: FGF13 (fibroblast growth factor 13; minus strand). Cytogenetic location: Xq26.3.
Variant type: Duplication.
Coding change: c.146dup on transcript NM_004114.5 (MANE Select); coding-DNA position 146, one base duplicated (T; older notation c.146dupT).
Protein change: p.Lys50fs; shifts the reading frame from lysine 50.
Molecular consequence: frameshift variant. On other transcripts: intron variant (5).
Genome position (GRCh38, 1-based): chrX:138,710,858, A duplicated on the plus strand (T on the coding strand, the reverse complement: FGF13 is on the minus strand). VCF-style (leftmost placement, unchanged base first): chrX-138710857-G-GA. GRCh37 (hg19) VCF-style: chrX-137793019-G-GA.
Other names: c.50-1930dup (NM_001139498.2); c.218-1930dup (NM_001139500.2); c.131-1930dup (NM_001139501.2, NM_001139502.2); c.29-1930dup (NM_033642.3); short protein forms K50fs.
Identifiers: ClinVar variation 3372581 (VCV003372581.1).
Genomic context (GRCh38, chrX:138,710,857, plus strand): 5'-AAGCAAAAGCCCTTTCCGACCTGGTCTTCTTCTGCGCCTCTTCTTGGAGCCGAAGAGTTT[G>GA]ACCCGGGAAAAGACATTTAACTTGTTTTTGTCGCAGCTGGTCTTGCCTTTGCTGGGGCTG-3'